The following is an entry in ClinVar:

NM_000094.4(COL7A1):c.8221_8226+1del

Gene: COL7A1 (collagen type VII alpha 1 chain; minus strand). Cytogenetic location: 3p21.31.
Variant type: Deletion.
Coding change: c.8221_8226+1del on transcript NM_000094.4 (MANE Select); coding-DNA position 8221 through the canonical splice donor site of the intron after coding-DNA position 8226, 7 bases deleted (CAGAAGG; older notation c.8221_8226+1delCAGAAGG).
Molecular consequence: splice donor variant.
Genome position (GRCh38, 1-based): chr3:48,566,906-48,566,912, CCTTCTG deleted on the plus strand (CAGAAGG on the coding strand, the reverse complement: COL7A1 is on the minus strand). VCF-style (leftmost placement, unchanged base first): chr3-48566905-ACCTTCTG-A. GRCh37 (hg19) VCF-style: chr3-48604338-ACCTTCTG-A.
Identifiers: ClinVar variation 1494882 (VCV001494882.6), dbSNP rs753705135, ClinGen allele CA2378125.

ClinVar aggregate classification (germline): Likely pathogenic (1 of 4 stars; one submission).

Allele frequency attached by ClinVar (database versions not stated): gnomAD exomes below 0.00001 and 0.00001; ExAC 0.00001.

Submission:

Labcorp Genetics (formerly Invitae), Labcorp
Classification: Likely pathogenic. Last evaluated: 2022-12-02. Review status: criteria provided, single submitter. Criteria: Invitae Variant Classification Sherloc (09022015). Collection method: clinical testing. Allele origin: germline.
Comment: In summary, the currently available evidence indicates that the variant is pathogenic, but additional data are needed to prove that conclusively. Therefore, this variant has been classified as Likely Pathogenic. Algorithms developed to predict the effect of sequence changes on RNA splicing suggest that this variant may disrupt the consensus splice site. ClinVar contains an entry for this variant (Variation ID: 1494882). This variant has not been reported in the literature in individuals affected with COL7A1-related conditions. This variant is present in population databases (rs753705135, gnomAD 0.007%). This variant results in the deletion of part of exon 110 (c.8221_8226+1del) of the COL7A1 gene. It is expected to disrupt RNA splicing. Variants that disrupt the donor or acceptor splice site typically lead to a loss of protein function (PMID: 16199547), and loss-of-function variants in COL7A1 are known to be pathogenic (PMID: 16971478).

Literature cited by the submitters: PubMed 16199547; PubMed 16971478.